The following is an entry in ClinVar:

ClinVar aggregate classification (germline): Pathogenic (1 of 4 stars; one submission).

Conditions:
Primary ciliary dyskinesia. Also called: Ciliary dyskinesia. Identifiers: Orphanet 244, MedGen C0008780, MONDO:0016575, HP:0012265.

Allele frequency attached by ClinVar (database versions not stated): gnomAD exomes below 0.00001.

Submission:

Labcorp Genetics (formerly Invitae), Labcorp
Classification: Pathogenic for Primary ciliary dyskinesia. Last evaluated: 2023-07-29. Review status: criteria provided, single submitter. Criteria: Invitae Variant Classification Sherloc (09022015). Collection method: clinical testing. Allele origin: germline.
Comment: For these reasons, this variant has been classified as Pathogenic. This sequence change creates a premature translational stop signal (p.Arg38*) in the CCDC39 gene. It is expected to result in an absent or disrupted protein product. Loss-of-function variants in CCDC39 are known to be pathogenic (PMID: 21131972, 23255504). This variant is not present in population databases (gnomAD no frequency). This variant has not been reported in the literature in individuals affected with CCDC39-related conditions.

Literature cited by the submitters: PubMed 21131972; PubMed 23255504.

NM_181426.2(CCDC39):c.112A>T (p.Arg38Ter)

Gene: CCDC39 (coiled-coil domain 39 molecular ruler complex subunit; minus strand). Cytogenetic location: 3q26.33.
Variant type: single nucleotide variant.
Coding change: c.112A>T on transcript NM_181426.2 (MANE Select); coding-DNA position 112, A replaced by T.
Protein change: p.Arg38Ter; replaces arginine 38 with a stop codon.
Molecular consequence: nonsense.
Genome position (GRCh38, 1-based): chr3:180,663,965, T>A on the plus strand (A>T on the coding strand, the complement: CCDC39 is on the minus strand). VCF-style: chr3-180663965-T-A. GRCh37 (hg19) VCF-style: chr3-180381753-T-A.
Other names: short protein forms R38*.
Identifiers: ClinVar variation 2748172 (VCV002748172.3), dbSNP rs1481266590, ClinGen allele CA355304467.